The following is an entry in ClinVar:

NM_000212.3(ITGB3):c.740G>A (p.Gly247Asp)

Gene: ITGB3 (integrin subunit beta 3; plus strand). Cytogenetic location: 17q21.32.
Variant type: single nucleotide variant.
Coding change: c.740G>A on transcript NM_000212.3 (MANE Select); coding-DNA position 740, G replaced by A.
Protein change: p.Gly247Asp; replaces glycine 247 with aspartic acid.
Molecular consequence: missense variant.
Genome position (GRCh38, 1-based): chr17:47,286,385, G>A. VCF-style: chr17-47286385-G-A. GRCh37 (hg19) VCF-style: chr17-45363751-G-A.
Other names: G221D; c.740G>A (NM_000212.2); short protein forms G247D.
Identifiers: ClinVar variation 13569 (VCV000013569.7), dbSNP rs79560904, ClinGen allele CA123256.

ClinVar aggregate classification (germline): Uncertain significance. Review status: reviewed by expert panel (3 of 4 stars). 2 submissions from 2 submitters: Uncertain significance (1). 1 of the submissions does not count toward it. Last evaluated 2024-08-20.

Conditions:
Glanzmann thrombasthenia 2. Also called: BLEEDING DISORDER, PLATELET-TYPE, 23. Identifiers: MedGen C5543273, MONDO:0031009, OMIM 619267.
Glanzmann thrombasthenia. Also called: THROMBASTHENIA OF GLANZMANN AND NAEGELI; BLEEDING DISORDER, PLATELET-TYPE, 2; Thrombasthenia; Glanzmann's thrombasthenia; PLATELET GLYCOPROTEIN IIb-IIIa DEFICIENCY. Identifiers: Orphanet 849, MedGen C0040015, MONDO:0100326.

Submissions (2):

ClinGen Platelet Disorders Variant Curation Expert Panel, ClinGen
Classification: Uncertain significance for Glanzmann thrombasthenia. Last evaluated: 2024-08-20. Review status: reviewed by expert panel. Criteria: ClinGen Platelet ACMG Specifications v2-1. Collection method: curation. Allele origin: germline. Inheritance: Autosomal recessive inheritance.
Comment: The ITGB3 missense variant NM_000212.3:c.740G>A replaces the glycine residue with an aspartate residue (p.Gly247Asp) and is absent from control population databases, including gonmADv4.1.0 (PM2_supporting). The variant is predicted by in silico tools to be damaging to protein function (REVEL score for this variant is 0.963; PP3). The functional impact has been assessed by flow cytometric detection of αIIb, β3, and αIIbβ3 positive cells following transient transfection of ITGB3 cDNA carrying this variant, showing a reduction in the number of positive cells (estimated to be ~7-19% compared to wild type; PMID: 20020534; PS3_supporting). This variant has been observed in heterozygosity in an individual suspected to have Glanzmann's thrombasthenia (GT) (CabGT-24 in PMID: 20020534), however sufficient information to confirm if the individual's phenotype is specific for GT was not provided and the second ITGB3 variant identified in the individual is of uncertain significance and unknown phase. In summary, this variant is of uncertain significance and lacks sufficient evidence to be classified as pathogenic or benign for GT. GT-specific criteria applied: PS3_supporting, PM2_supporting, PP3.

OMIM
Classification: Pathogenic for GLANZMANN THROMBASTHENIA 2. Last evaluated: 2010-03-01. Review status: no assertion criteria provided. Collection method: literature only. Allele origin: germline. Not counted in ClinVar's aggregate classification.

Literature cited by the submitters: PubMed 20020534 (cited by ClinGen Platelet Disorders Variant Curation Expert Panel, ClinGen and OMIM).